The following is an entry in ClinVar:

ClinVar aggregate classification (germline): Uncertain significance (1 of 4 stars; one submission).

Conditions:
Brachyolmia-amelogenesis imperfecta syndrome. Also called: PLATYSPONDYLY WITH AMELOGENESIS IMPERFECTA; Tooth agenesis, selective, 6; Dental anomalies and short stature. Identifiers: Orphanet 2899, MedGen C1832594, MONDO:0011018, OMIM 601216. Disease mechanism: loss of function.

Submission:

Labcorp Genetics (formerly Invitae), Labcorp
Classification: Uncertain significance for Brachyolmia-amelogenesis imperfecta syndrome. Last evaluated: 2024-10-21. Review status: criteria provided, single submitter. Criteria: Invitae Variant Classification Sherloc (09022015). Collection method: clinical testing. Allele origin: germline.
Comment: This sequence change replaces arginine, which is basic and polar, with serine, which is neutral and polar, at codon 522 of the LTBP3 protein (p.Arg522Ser). This variant is not present in population databases (gnomAD no frequency). This variant has not been reported in the literature in individuals affected with LTBP3-related conditions. An algorithm developed to predict the effect of missense changes on protein structure and function (PolyPhen-2) suggests that this variant is likely to be tolerated. In summary, the available evidence is currently insufficient to determine the role of this variant in disease. Therefore, it has been classified as a Variant of Uncertain Significance.

NM_001130144.3(LTBP3):c.1566G>C (p.Arg522Ser)

Gene: LTBP3 (latent transforming growth factor beta binding protein 3; minus strand). Cytogenetic location: 11q13.1.
Variant type: single nucleotide variant.
Coding change: c.1566G>C on transcript NM_001130144.3 (MANE Select); coding-DNA position 1566, G replaced by C.
Protein change: p.Arg522Ser; replaces arginine 522 with serine.
Molecular consequence: missense variant.
Genome position (GRCh38, 1-based): chr11:65,551,457, C>G on the plus strand (G>C on the coding strand, the complement: LTBP3 is on the minus strand). VCF-style: chr11-65551457-C-G. GRCh37 (hg19) VCF-style: chr11-65318928-C-G.
Other names: c.1215G>C, p.Arg405Ser (NM_001164266.1); c.1566G>C, p.Arg522Ser (NM_021070.4); short protein forms R522S, R405S.
Identifiers: ClinVar variation 3696238 (VCV003696238.2).